The following is an entry in ClinVar:

ClinVar aggregate classification (germline): Pathogenic (1 of 4 stars; one submission).

Conditions:
Polycystic kidney disease, adult type (PKD1). Also called: Polycystic Kidney Disease 1, Autosomal Dominant; Polycystic kidney disease 1; Polycystic kidney disease 1, severe; POLYCYSTIC KIDNEY DISEASE, ADULT, TYPE I; POLYCYSTIC KIDNEY DISEASE 1 WITH OR WITHOUT POLYCYSTIC LIVER DISEASE; Polycystic Kidney, Autosomal Dominant. Identifiers: MedGen C3149841, MONDO:0008263, OMIM 173900.

Submission:

ARUP Laboratories, Molecular Genetics and Genomics, ARUP Laboratories
Classification: Pathogenic for Polycystic kidney disease, adult type. Last evaluated: 2020-02-26. Review status: criteria provided, single submitter. Criteria: ARUP Molecular Germline Variant Investigation Process. Collection method: clinical testing. Allele origin: germline.
Comment: The PKD1 c.5890delC; p.Arg1964fs variant, to our knowledge, is not reported in the medical literature or gene-specific databases. This variant is also absent from general population databases (Exome Variant Server, Genome Aggregation Database), indicating it is not a common polymorphism. This variant causes a frameshift by deleting a single nucleotide, so it is predicted to result in a truncated protein or mRNA subject to nonsense-mediated decay. Additionally, numerous downstream truncating variants have been described in individuals affected with autosomal dominant polycystic kidney disease (ADPKD; Audrezet 2012, Rossetti 2007). Based on available information, the c.5890delC variant is considered to be pathogenic. References: Audrezet M et al. Autosomal dominant polycystic kidney disease: comprehensive mutation analysis of PKD1 and PKD2 in 700 unrelated patients. Hum Mutat. 2012 Aug;33(8):1239-50. Rossetti S et al. Comprehensive molecular diagnostics in autosomal dominant polycystic kidney disease. J Am Soc Nephrol. 2007 Jul;18(7):2143-60.

NM_001009944.3(PKD1):c.5890del (p.Arg1964fs)

Gene: PKD1 (polycystin 1, transient receptor potential channel interacting; minus strand). Cytogenetic location: 16p13.3.
Variant type: Deletion.
Coding change: c.5890del on transcript NM_001009944.3 (MANE Select); coding-DNA position 5890, one base deleted (C; older notation c.5890delC).
Protein change: p.Arg1964fs; shifts the reading frame from arginine 1964.
Molecular consequence: frameshift variant.
Genome position (GRCh38, 1-based): chr16:2,109,277, G deleted on the plus strand (C on the coding strand, the reverse complement: PKD1 is on the minus strand). VCF-style (leftmost placement, unchanged base first): chr16-2109276-CG-C. GRCh37 (hg19) VCF-style: chr16-2159277-CG-C.
Other names: c.5890del, p.Arg1964fs (NM_000296.4); short protein forms R1964fs.
Identifiers: ClinVar variation 994275 (VCV000994275.8), dbSNP rs2092440406, ClinGen allele CA1139664393.